The following is an entry in ClinVar:

NM_001042472.3(ABHD12):c.*148C>T

Gene: ABHD12 (abhydrolase domain containing 12, lysophospholipase; minus strand). Cytogenetic location: 20p11.21.
Variant type: single nucleotide variant.
Coding change: c.*148C>T on transcript NM_001042472.3 (MANE Select); 148 bases downstream of the stop codon, C replaced by T.
Molecular consequence: 3 prime UTR variant. On other transcripts: intron variant (1).
Genome position (GRCh38, 1-based): chr20:25,300,697, G>A on the plus strand (C>T on the coding strand, the complement: ABHD12 is on the minus strand). VCF-style: chr20-25300697-G-A. GRCh37 (hg19) VCF-style: chr20-25281333-G-A.
Other names: c.1157+1522C>T (NM_015600.5).
Identifiers: ClinVar variation 337987 (VCV000337987.8), dbSNP rs1046073, ClinGen allele CA10643653.

ClinVar aggregate classification (germline): Benign. Review status: criteria provided, multiple submitters, no conflicts (2 of 4 stars). 3 submissions from 3 submitters: Benign (3). Last evaluated 2018-11-10.

Conditions:
PHARC syndrome. Also called: Polyneuropathy-hearing loss-ataxia-retinitis pigmentosa-cataract syndrome. Identifiers: Orphanet 171848, MedGen C2675204, MONDO:0012984, OMIM 612674.

Allele frequency attached by ClinVar (database versions not stated): gnomAD 0.44458 and 0.44998; TOPMed 0.44507; gnomAD exomes 0.44984; 1000 Genomes Project 30x 0.52092; 1000 Genomes Project 0.53594.
gnomAD v4.1: 694,217 of 1,542,216 alleles (45%); highest among the groups gnomAD compares: East Asian, 92%; 162,222 homozygotes.

Submissions (3):

GeneDx
Classification: Benign. Last evaluated: 2018-11-10. Review status: criteria provided, single submitter. Criteria: GeneDx Variant Classification Process June 2021. Collection method: clinical testing. Allele origin: germline. Affected: yes.

Illumina Laboratory Services, Illumina
Classification: Benign for PHARC syndrome. Last evaluated: 2017-04-27. Review status: criteria provided, single submitter. Criteria: ICSL Variant Classification Criteria 13 December 2019. Collection method: clinical testing. Allele origin: germline.
Comment: This variant was observed as part of a predisposition screen in an ostensibly healthy population. A literature search was performed for the gene, cDNA change, and amino acid change (where applicable). No publications were found based on this search. Allele frequency data from public databases was too high to be consistent with this variant causing disease. Therefore, this variant is classified as benign.

Breakthrough Genomics
Classification: Benign. Review status: criteria provided, single submitter. Criteria: ACMG Guidelines, 2015. Collection method: not provided. Allele origin: germline. Inheritance: Autosomal recessive inheritance. Affected: yes.